The following is an entry in ClinVar:

NM_015650.4(TRAF3IP1):c.1477A>G (p.Asn493Asp)

Gene: TRAF3IP1 (TRAF3 interacting protein 1; plus strand). Cytogenetic location: 2q37.3.
Variant type: single nucleotide variant.
Coding change: c.1477A>G on transcript NM_015650.4 (MANE Select); coding-DNA position 1477, A replaced by G.
Protein change: p.Asn493Asp; replaces asparagine 493 with aspartic acid.
Molecular consequence: missense variant.
Genome position (GRCh38, 1-based): chr2:238,352,852, A>G. VCF-style: chr2-238352852-A-G. GRCh37 (hg19) VCF-style: chr2-239261493-A-G.
Other names: c.1279A>G, p.Asn427Asp (NM_001139490.1); short protein forms N427D, N493D.
Identifiers: ClinVar variation 1035587 (VCV001035587.9), dbSNP rs368040034, ClinGen allele CA67957739.

ClinVar aggregate classification (germline): Uncertain significance (1 of 4 stars; one submission).

Allele frequency attached by ClinVar (database versions not stated): TOPMed 0.00001; gnomAD 0.00002; ESP Exome Variant Server 0.00008.
gnomAD v4.1: 3 of 1,612,858 alleles (0.00019%); highest among the groups gnomAD compares: African/African-American, 0.004%; no homozygotes.

Submission:

Labcorp Genetics (formerly Invitae), Labcorp
Classification: Uncertain significance. Last evaluated: 2024-12-02. Review status: criteria provided, single submitter. Criteria: Invitae Variant Classification Sherloc (09022015). Collection method: clinical testing. Allele origin: germline.
Comment: This sequence change replaces asparagine, which is neutral and polar, with aspartic acid, which is acidic and polar, at codon 493 of the TRAF3IP1 protein (p.Asn493Asp). This variant is present in population databases (rs368040034, gnomAD 0.01%). This variant has not been reported in the literature in individuals affected with TRAF3IP1-related conditions. ClinVar contains an entry for this variant (Variation ID: 1035587). Invitae Evidence Modeling of protein sequence and biophysical properties (such as structural, functional, and spatial information, amino acid conservation, physicochemical variation, residue mobility, and thermodynamic stability) indicates that this missense variant is expected to disrupt TRAF3IP1 protein function with a positive predictive value of 80%. In summary, the available evidence is currently insufficient to determine the role of this variant in disease. Therefore, it has been classified as a Variant of Uncertain Significance.